The following is an entry in ClinVar:

ClinVar aggregate classification (germline): Benign. Review status: criteria provided, multiple submitters, no conflicts (2 of 4 stars). 7 submissions from 7 submitters: Benign (6). 1 of the submissions does not count toward it. Last evaluated 2026-01-13.

Conditions:
ZFP57-related disorder. Also called: ZFP57-related condition.
Monogenic diabetes. Identifiers: Orphanet 183625, MedGen C3888631, MONDO:0015967.
Diabetes mellitus, transient neonatal, 1 (TNDM1). Also called: Diabetes Mellitus, 6q24-Related Transient Neonatal. Identifiers: Orphanet 99886, MedGen C1832386, MONDO:0011073, OMIM 601410.

Allele frequency attached by ClinVar (database versions not stated): gnomAD exomes 0.00213 and 0.00509; ExAC 0.00575; gnomAD 0.01936 and 0.02078; ESP Exome Variant Server 0.02071; 1000 Genomes Project 0.02177; TOPMed 0.02224; 1000 Genomes Project 30x 0.02249.
gnomAD v4.1: 6,159 of 1,613,052 alleles (0.38%); highest among the groups gnomAD compares: African/African-American, 6.9%; 183 homozygotes.

Submissions (10):

Labcorp Genetics (formerly Invitae), Labcorp
Classification: Benign. Last evaluated: 2026-01-13. Review status: criteria provided, single submitter. Criteria: Invitae Variant Classification Sherloc (09022015). Collection method: clinical testing. Allele origin: germline.

ARUP Laboratories, Molecular Genetics and Genomics, ARUP Laboratories
Classification: Benign for Diabetes mellitus, transient neonatal, 1. Last evaluated: 2024-10-14. Review status: criteria provided, single submitter. Criteria: ARUP Molecular Germline Variant Investigation Process 2024. Collection method: clinical testing. Allele origin: germline.

GeneDx
Classification: Benign. Last evaluated: 2021-05-06. Review status: criteria provided, single submitter. Criteria: GeneDx Variant Classification Process June 2021. Collection method: clinical testing. Allele origin: germline. Affected: yes.

Personalized Diabetes Medicine Program, University of Maryland School of Medicine
Classification: Benign for Monogenic diabetes. Last evaluated: 2018-11-21. Review status: criteria provided, single submitter. Criteria: ACMG Guidelines, 2015. Collection method: research. Allele origin: unknown. Observed: 4 variant alleles, 4 heterozygotes.
Comment: ACMG criteria: BP4 (REVEL 0.013 + 9 predictors), BS2 (59 homozygotes in gnomAD), BA1 (7% MAF in gnomAD African population)= benign

Illumina Laboratory Services, Illumina
Classification: Benign for Diabetes mellitus, transient neonatal, 1. Last evaluated: 2018-01-12. Review status: criteria provided, single submitter. Criteria: ICSL Variant Classification Criteria 13 December 2019. Collection method: clinical testing. Allele origin: germline.
Comment: This variant was observed in the ICSL laboratory as part of a predisposition screen in an ostensibly healthy population. It had not been previously curated by ICSL or reported in the Human Gene Mutation Database (HGMD: prior to June 1st, 2018), and was therefore a candidate for classification through an automated scoring system. Utilizing variant allele frequency, disease prevalence and penetrance estimates, and inheritance mode, an automated score was calculated to assess if this variant is too frequent to cause the disease. Based on the score and internal cut-off values, a variant classified as benign is not then subjected to further curation. The score for this variant resulted in a classification of benign for this disease.

Genetic Services Laboratory, University of Chicago
Classification: Benign for AllHighlyPenetrant. Last evaluated: 2013-03-05. Review status: criteria provided, single submitter. Criteria: ACMG Guidelines, 2007. Collection method: clinical testing. Allele origin: germline. Inheritance: Autosomal recessive inheritance.

PreventionGenetics, part of Exact Sciences
Classification: Benign for ZFP57-related condition. Last evaluated: 2019-03-08. Review status: no assertion criteria provided. Collection method: clinical testing. Allele origin: germline. Not counted in ClinVar's aggregate classification.
Comment: This variant is classified as benign based on ACMG/AMP sequence variant interpretation guidelines (Richards et al. 2015 PMID: 25741868, with internal and published modifications).

Dr. Peter K. Rogan Lab, Western University
No classification provided (evidence only). Condition: Uterine corpus endometrial carcinoma. Review status: no classification provided. Collection method: in vitro. Allele origin: not applicable. Functional consequence: retained intron. Not counted in ClinVar's aggregate classification.

Dr. Peter K. Rogan Lab, Western University
No classification provided (evidence only). Condition: Uterine corpus endometrial carcinoma. Review status: no classification provided. Collection method: in vitro. Allele origin: not applicable. Functional consequence: retained intron. Not counted in ClinVar's aggregate classification.

Dr. Peter K. Rogan Lab, Western University
No classification provided (evidence only). Condition: Sarcoma. Review status: no classification provided. Collection method: in vitro. Allele origin: not applicable. Functional consequence: retained intron. Not counted in ClinVar's aggregate classification.

NM_001109809.5(ZFP57):c.593A>G (p.Asn198Ser)

Gene: ZFP57 (ZFP57 zinc finger protein; minus strand). Cytogenetic location: 6p22.1.
Variant type: single nucleotide variant.
Coding change: c.593A>G on transcript NM_001109809.5 (MANE Select); coding-DNA position 593, A replaced by G.
Protein change: p.Asn198Ser; replaces asparagine 198 with serine.
Molecular consequence: missense variant.
Genome position (GRCh38, 1-based): chr6:29,673,518, T>C on the plus strand (A>G on the coding strand, the complement: ZFP57 is on the minus strand). VCF-style: chr6-29673518-T-C. GRCh37 (hg19) VCF-style: chr6-29641295-T-C.
Other names: c.377A>G, p.Asn126Ser (NM_001366333.2); short protein forms N198S, N126S.
Identifiers: ClinVar variation 130771 (VCV000130771.27), dbSNP rs9461544, ClinGen allele CA156039.